The following is an entry in ClinVar:

ClinVar aggregate classification (germline): Benign/Likely benign. Review status: criteria provided, multiple submitters, no conflicts (2 of 4 stars). 7 submissions from 7 submitters: Benign (3); Likely benign (4). Last evaluated 2026-08-01.

Conditions:
T-B+ severe combined immunodeficiency due to JAK3 deficiency. Also called: SCID, autosomal recessive, T-negative/B-positive type; SCID, T CELL-NEGATIVE, B CELL-POSITIVE, NK CELL-NEGATIVE. Identifiers: Orphanet 35078, MedGen C1833275, MONDO:0010938, OMIM 600802.

Allele frequency attached by ClinVar (database versions not stated): 1000 Genomes Project 30x 0.00078; 1000 Genomes Project 0.00100; gnomAD 0.00207; TOPMed 0.00237; ESP Exome Variant Server 0.00302.
gnomAD v4.1: 5,929 of 1,587,866 alleles (0.37%); highest among the groups gnomAD compares: Non-Finnish European, 0.48%; 13 homozygotes.

Submissions (7):

CeGaT Center for Human Genetics Tuebingen
Classification: Likely benign. Last evaluated: 2026-08-01. Review status: criteria provided, single submitter. Criteria: CeGaT Center For Human Genetics Tuebingen Variant Classification Criteria Version 2. Collection method: clinical testing. Allele origin: germline. Affected: yes. Observed: 6 variant alleles.
Comment: JAK3: BP4, BP7, BS2

Labcorp Genetics (formerly Invitae), Labcorp
Classification: Benign for T-B+ severe combined immunodeficiency due to JAK3 deficiency. Last evaluated: 2026-02-04. Review status: criteria provided, single submitter. Criteria: Invitae Variant Classification Sherloc (09022015). Collection method: clinical testing. Allele origin: germline.

Women's Health and Genetics/Laboratory Corporation of America, LabCorp
Classification: Benign. Last evaluated: 2024-12-06. Review status: criteria provided, single submitter. Criteria: LabCorp Variant Classification Summary - May 2015. Collection method: clinical testing. Allele origin: germline.

Blueprint Genetics
Classification: Likely benign. Last evaluated: 2024-11-23. Review status: criteria provided, single submitter. Criteria: ACMG Guidelines, 2015. Collection method: clinical testing. Allele origin: germline.

Mayo Clinic Laboratories, Mayo Clinic
Classification: Benign. Last evaluated: 2024-10-07. Review status: criteria provided, single submitter. Criteria: ACMG Guidelines, 2015. Collection method: clinical testing. Allele origin: germline. Observed: 2 variant alleles.
Comment: BS1, BS2, BP4, BP7

GeneDx
Classification: Likely benign. Last evaluated: 2018-08-16. Review status: criteria provided, single submitter. Criteria: GeneDx Variant Classification Process June 2021. Collection method: clinical testing. Allele origin: germline. Affected: yes.

Illumina Laboratory Services, Illumina
Classification: Likely benign for T-B+ severe combined immunodeficiency due to JAK3 deficiency. Last evaluated: 2018-01-12. Review status: criteria provided, single submitter. Criteria: ICSL Variant Classification Criteria 13 December 2019. Collection method: clinical testing. Allele origin: germline.
Comment: This variant was observed in the ICSL laboratory as part of a predisposition screen in an ostensibly healthy population. It had not been previously curated by ICSL or reported in the Human Gene Mutation Database (HGMD: prior to June 1st, 2018), and was therefore a candidate for classification through an automated scoring system. Utilizing variant allele frequency, disease prevalence and penetrance estimates, and inheritance mode, an automated score was calculated to assess if this variant is too frequent to cause the disease. Based on the score and internal cut-off values, a variant classified as likely benign is not then subjected to further curation. The score for this variant resulted in a classification of likely benign for this disease.

Literature cited by the submitters: PubMed 16843266 (cited by Women's Health and Genetics/Laboratory Corporation of America, LabCorp); PubMed 17252020 (cited by Women's Health and Genetics/Laboratory Corporation of America, LabCorp); PubMed 23832011 (cited by Women's Health and Genetics/Laboratory Corporation of America, LabCorp); PubMed 22425895 (cited by Women's Health and Genetics/Laboratory Corporation of America, LabCorp); PubMed 25595890 (cited by Women's Health and Genetics/Laboratory Corporation of America, LabCorp); PubMed 22237106 (cited by Women's Health and Genetics/Laboratory Corporation of America, LabCorp); PubMed 24446122 (cited by Women's Health and Genetics/Laboratory Corporation of America, LabCorp).

NM_000215.4(JAK3):c.631A>C (p.Arg211=)

Gene: JAK3 (Janus kinase 3; minus strand). Cytogenetic location: 19p13.11.
Variant type: single nucleotide variant.
Coding change: c.631A>C on transcript NM_000215.4 (MANE Select); coding-DNA position 631, A replaced by C.
Protein change: p.Arg211=; no amino-acid change (arginine 211 retained).
Molecular consequence: synonymous variant.
Genome position (GRCh38, 1-based): chr19:17,842,546, T>G on the plus strand (A>C on the coding strand, the complement: JAK3 is on the minus strand). VCF-style: chr19-17842546-T-G. GRCh37 (hg19) VCF-style: chr19-17953355-T-G.
Other names: p.Arg211=.
Identifiers: ClinVar variation 380482 (VCV000380482.44), dbSNP rs56269787, ClinGen allele CA9302111.